The following is an entry in ClinVar:

NM_020989.4(CRYGC):c.256G>T (p.Val86Phe)

Genes: CRYGC (crystallin gamma C; minus strand), LOC100507443 (uncharacterized LOC100507443; plus strand). Cytogenetic location: 2q33.3.
Variant type: single nucleotide variant.
Coding change: c.256G>T on transcript NM_020989.4 (MANE Select); coding-DNA position 256, G replaced by T.
Protein change: p.Val86Phe; replaces valine 86 with phenylalanine.
Molecular consequence: missense variant.
Genome position (GRCh38, 1-based): chr2:208,128,472, C>A on the plus strand (G>T on the coding strand, the complement: CRYGC is on the minus strand). VCF-style: chr2-208128472-C-A. GRCh37 (hg19) VCF-style: chr2-208993196-C-A.
Other names: short protein forms V86F.
Identifiers: ClinVar variation 465773 (VCV000465773.12), dbSNP rs150910237, ClinGen allele CA2077883.
Genomic context (GRCh38, chr2:208,128,472, plus strand): 5'-TCAGCTCCATCATGAGGCCTTTGTGGTCTTCCCTCTCGTACAGCCGCAGCCTGTGGGAGA[C>A]TGTCTACTCGGTCCACAGAAAGAAGGATGGAAAAAAGCAAATGAGTCTCTTCCAGAATTT-3'
Protein context (NP_066269.1, residues 76-96): IRSCCLIPQT[Val86Phe]SHRLRLYERE

ClinVar aggregate classification (germline): Likely benign. Review status: criteria provided, multiple submitters, no conflicts (2 of 4 stars). 3 submissions from 3 submitters: Likely benign (2). 1 of the submissions does not count toward it. Last evaluated 2024-11-16.

Conditions:
CRYGC-related disorder. Also called: CRYGC-related condition.
Nuclear pulverulent cataract (CTRCT2). Identifiers: MedGen C1852438, HP:0010698.

Allele frequency attached by ClinVar (database versions not stated): 1000 Genomes Project 30x 0.00016; 1000 Genomes Project 0.00020; gnomAD 0.00066; TOPMed 0.00067; ESP Exome Variant Server 0.00100.

Submissions (3):

Labcorp Genetics (formerly Invitae), Labcorp
Classification: Likely benign for Nuclear pulverulent cataract. Last evaluated: 2024-11-16. Review status: criteria provided, single submitter. Criteria: Invitae Variant Classification Sherloc (09022015). Collection method: clinical testing. Allele origin: germline.

Blueprint Genetics
Classification: Likely benign. Last evaluated: 2023-09-14. Review status: criteria provided, single submitter. Criteria: ACMG Guidelines, 2015. Collection method: clinical testing. Allele origin: germline.

PreventionGenetics, part of Exact Sciences
Classification: Likely benign for CRYGC-related condition. Last evaluated: 2024-07-11. Review status: no assertion criteria provided. Collection method: clinical testing. Allele origin: germline. Not counted in ClinVar's aggregate classification.
Comment: This variant is classified as likely benign based on ACMG/AMP sequence variant interpretation guidelines (Richards et al. 2015 PMID: 25741868, with internal and published modifications).